The following is an entry in ClinVar:

ClinVar aggregate classification (germline): Likely benign (1 of 4 stars; one submission).

Submission:

CeGaT Center for Human Genetics Tuebingen
Classification: Likely benign. Last evaluated: 2022-07-01. Review status: criteria provided, single submitter. Criteria: CeGaT Center For Human Genetics Tuebingen Variant Classification Criteria Version 2. Collection method: clinical testing. Allele origin: germline. Affected: yes. Observed: 1 variant allele.
Comment: DUSP9: PM2:Supporting, BP4, BP7

NM_001318503.2(DUSP9):c.360C>A (p.Ala120=)

Gene: DUSP9 (dual specificity phosphatase 9; plus strand). Cytogenetic location: Xq28.
Variant type: single nucleotide variant.
Coding change: c.360C>A on transcript NM_001318503.2 (MANE Select); coding-DNA position 360, C replaced by A.
Protein change: p.Ala120=; no amino-acid change (alanine 120 retained).
Molecular consequence: synonymous variant.
Genome position (GRCh38, 1-based): chrX:153,648,313, C>A. VCF-style: chrX-153648313-C-A. GRCh37 (hg19) VCF-style: chrX-152913767-C-A.
Other names: c.360C>A, p.Ala120= (NM_001395.4).
Identifiers: ClinVar variation 2661705 (VCV002661705.24), dbSNP rs2521969346, ClinGen allele CA519195997.